The following is an entry in ClinVar:

ClinVar aggregate classification (germline): Likely pathogenic (1 of 4 stars; one submission).

Conditions:
Autosomal recessive spinocerebellar ataxia 17. Identifiers: Orphanet 453521, MedGen C4015301, MONDO:0014503, OMIM 616127.

Allele frequency attached by ClinVar (database versions not stated): gnomAD exomes below 0.00001 and 0.00001; ExAC 0.00001; gnomAD 0.00003 and 0.00004; TOPMed 0.00003.
gnomAD v4.1: 6 of 1,614,054 alleles (0.00037%); highest among the groups gnomAD compares: African/African-American, 0.008%; no homozygotes.

Submission:

Rady Children's Institute for Genomic Medicine, Rady Children's Hospital San Diego
Classification: Likely pathogenic for SPINOCEREBELLAR ATAXIA, AUTOSOMAL RECESSIVE 17. Last evaluated: 2020-01-27. Review status: criteria provided, single submitter. Criteria: ACMG Guidelines, 2015. Collection method: clinical testing. Allele origin: germline. Affected: yes.
Comment: This nonsense variant in exon 11 of 14 introduces a premature stop codon and is therefore predicted to result in loss of normal protein function. This variant has not been previously reported or functionally characterized in the literature to our knowledge. It is present in the heterozygous state in the gnomAD population database at a frequency of 0.0014% (4/282814) and thus is presumed to be rare. Based on the available evidence, the c.349G>T (p.Glu117Ter) variant is classified as Likely Pathogenic.

NM_018294.6(CWF19L1):c.349G>T (p.Glu117Ter)

Gene: CWF19L1 (CWF19 like cell cycle control factor 1; minus strand). Cytogenetic location: 10q24.31.
Variant type: single nucleotide variant.
Coding change: c.349G>T on transcript NM_018294.6 (MANE Select); coding-DNA position 349, G replaced by T.
Protein change: p.Glu117Ter; replaces glutamic acid 117 with a stop codon.
Molecular consequence: nonsense. On other transcripts: 5 prime UTR variant (2), intron variant (1).
Genome position (GRCh38, 1-based): chr10:100,256,417, C>A on the plus strand (G>T on the coding strand, the complement: CWF19L1 is on the minus strand). VCF-style: chr10-100256417-C-A. GRCh37 (hg19) VCF-style: chr10-102016174-C-A.
Other names: c.349G>T, p.Glu117Ter (NM_001303404.2); c.-63G>T (NM_001303405.2, NM_001303406.2); c.-231-2878G>T (NM_001303407.2); short protein forms E117*.
Identifiers: ClinVar variation 984934 (VCV000984934.1), dbSNP rs201230582, ClinGen allele CA5647186.